The following is an entry in ClinVar:

NM_012144.4(DNAI1):c.274_281del (p.Lys92fs)

Gene: DNAI1 (dynein axonemal intermediate chain 1; plus strand). Cytogenetic location: 9p13.3.
Variant type: Deletion.
Coding change: c.274_281del on transcript NM_012144.4 (MANE Select); coding-DNA positions 274 to 281, 8 bases deleted (AAGCCTAT; older notation c.274_281delAAGCCTAT).
Protein change: p.Lys92fs; shifts the reading frame from lysine 92.
Molecular consequence: frameshift variant.
Genome position (GRCh38, 1-based): chr9:34,489,335-34,489,342, AAGCCTAT deleted; deleting any 8 consecutive bases within chr9:34,489,332-34,489,342 gives the same sequence; the c. name uses the placement nearest the transcript's 3' end. VCF-style (leftmost placement, unchanged base first): chr9-34489331-ATATAAGCC-A. GRCh37 (hg19) VCF-style: chr9-34489329-ATATAAGCC-A.
Other names: c.274_281del, p.Lys92fs (NM_001281428.2); short protein forms K92fs.
Identifiers: ClinVar variation 5013417 (VCV005013417.1).
Genomic context (GRCh38, chr9:34,489,331, plus strand): 5'-GACTCCAGCTCTTTTAGGGATCCCTGGTCTGACTCAGCCCCTCTCTTCTTAGGAAGGCAC[ATATAAGCC>A]TATTGGCTTTGTGAACCAACTGGCAGTTCACTACACCCAGGTTGGGAACCTGATCCCCAA-3'

ClinVar aggregate classification (germline): Pathogenic (1 of 4 stars; one submission).

Conditions:
Kartagener syndrome (CILD1). Also called: CILIARY DYSKINESIA, PRIMARY, 1; CILIARY DYSKINESIA, PRIMARY, 1, WITH OR WITHOUT SITUS INVERSUS; IMMOTILE CILIA SYNDROME; POLYNESIAN BRONCHIECTASIS; Dextrocardia bronchiectasis and sinusitis; SIEWERT SYNDROME. Identifiers: Orphanet 244, MedGen C4551906, MONDO:0009484, OMIM 244400.

Submission:

Myriad Genetics, Inc.
Classification: Pathogenic for Kartagener syndrome. Last evaluated: 2024-08-05. Review status: criteria provided, single submitter. Criteria: Myriad Autosomal Dominant, Autosomal Recessive and X-Linked Classification Criteria (2023). Collection method: clinical testing. Allele origin: unknown.
Comment: NM_012144.2(DNAI1):c.274_281del8(K92Wfs*23) is expected to be pathogenic in the context of primary ciliary dyskinesia, DNAI1-related. This variant is predicted to lead to an abnormal or absent protein product due to the creation of a premature termination codon in DNAI1, a gene where loss-of-function variants are known to be pathogenic. Please note: this variant was assessed in the context of healthy population screening.